The following is an entry in ClinVar:

ClinVar aggregate classification (germline): Uncertain significance. Review status: criteria provided, single submitter (1 of 4 stars). 2 submissions from 2 submitters: Uncertain significance (1). 1 of the submissions does not count toward it. Last evaluated 2018-04-10.

Conditions:
Alstrom syndrome (ALMS). Identifiers: Orphanet 64, MedGen C0268425, MONDO:0008763, OMIM 203800.

Allele frequency attached by ClinVar (database versions not stated): gnomAD exomes below 0.00001; ExAC 0.00001; gnomAD 0.00001; TOPMed 0.00002.
gnomAD v4.1: 3 of 1,613,962 alleles (0.00019%); highest among the groups gnomAD compares: Non-Finnish European, 0.00025%; no homozygotes.

Submissions (2):

Laboratory for Molecular Medicine, Mass General Brigham Personalized Medicine
Classification: Uncertain significance. Last evaluated: 2018-04-10. Review status: criteria provided, single submitter. Criteria: LMM Criteria. Collection method: clinical testing. Allele origin: germline. Observed: 1 variant allele.
Comment: The p.Glu1964Lys variant in ALMS1 has not been previously reported in individual s with Alstrom syndrome or hearing loss. This variant has been identified in 1/1 10952 European chromosomes by the Genome Aggregation Database (gnomAD; dbSNP rs45484791). Computational prediction tools and c onservation analysis do not provide strong support for or against an impact to t he protein. In summary, the clinical significance of the p.Glu1964Lys variant is uncertain. ACMG/AMP Criteria applied: PM2.

Natera, Inc.
Classification: Uncertain significance for Alstrom syndrome. Last evaluated: 2021-05-03. Review status: no assertion criteria provided. Collection method: clinical testing. Allele origin: germline. Not counted in ClinVar's aggregate classification.

NM_001378454.1(ALMS1):c.5887G>A (p.Glu1963Lys)

Gene: ALMS1 (ALMS1 centrosome and basal body associated protein; plus strand). Cytogenetic location: 2p13.1.
Variant type: single nucleotide variant.
Coding change: c.5887G>A on transcript NM_001378454.1 (MANE Select); coding-DNA position 5887, G replaced by A.
Protein change: p.Glu1963Lys; replaces glutamic acid 1963 with lysine.
Molecular consequence: missense variant.
Genome position (GRCh38, 1-based): chr2:73,452,414, G>A. VCF-style: chr2-73452414-G-A. GRCh37 (hg19) VCF-style: chr2-73679541-G-A.
Other names: c.5890G>A, p.Glu1964Lys (NM_015120.4); c.5884G>A (NM_015120.4); short protein forms E1964K, E1963K.
Identifiers: ClinVar variation 666790 (VCV000666790.5), dbSNP rs45484791, ClinGen allele CA1713954.